The following is an entry in ClinVar:

NM_001127178.3(PIGG):c.2377G>C (p.Gly793Arg)

Gene: PIGG (phosphatidylinositol glycan anchor biosynthesis class G (EMM blood group); plus strand). Cytogenetic location: 4p16.3.
Variant type: single nucleotide variant.
Coding change: c.2377G>C on transcript NM_001127178.3 (MANE Select); coding-DNA position 2377, G replaced by C.
Protein change: p.Gly793Arg; replaces glycine 793 with arginine.
Molecular consequence: missense variant. On other transcripts: non-coding transcript variant (6).
Genome position (GRCh38, 1-based): chr4:530,551, G>C. VCF-style: chr4-530551-G-C. GRCh37 (hg19) VCF-style: chr4-524340-G-C.
Other names: c.2377G>C (NM_001127178.1); c.2110G>C, p.Gly704Arg (NM_001289051.2, NM_001345986.2); c.1978G>C, p.Gly660Arg (NM_001289052.2); c.2086G>C, p.Gly696Arg (NM_001345987.2); c.1348G>C, p.Gly450Arg (NM_001345988.2); c.844G>C, p.Gly282Arg (NM_001345990.2, NM_001345991.2); c.1279G>C, p.Gly427Arg (NM_001345994.2); c.2353G>C, p.Gly785Arg (NM_017733.5); short protein forms G427R, G660R, G282R, G704R, G450R, G696R, G785R, G793R.
Identifiers: ClinVar variation 1957373 (VCV001957373.6), dbSNP rs2475051601, ClinGen allele CA355909996.

ClinVar aggregate classification (germline): Uncertain significance. Review status: criteria provided, multiple submitters, no conflicts (2 of 4 stars). 2 submissions from 2 submitters: Uncertain significance (2). Last evaluated 2025-03-22.

Conditions:
Intellectual disability, autosomal recessive 53 (NEDHSCA). Also called: GLYCOSYLPHOSPHATIDYLINOSITOL BIOSYNTHESIS DEFECT 13; Mental retardation, autosomal recessive 53; NEURODEVELOPMENTAL DISORDER WITH OR WITHOUT HYPOTONIA, SEIZURES, AND CEREBELLAR ATROPHY. Identifiers: Orphanet 488635, MedGen C4310794, MONDO:0014832, OMIM 616917.
Inborn genetic diseases. Identifiers: MedGen C0950123, MeSH D030342.

Allele frequency attached by ClinVar (database versions not stated): gnomAD exomes below 0.00001.
gnomAD v4.1: 3 of 1,613,652 alleles (0.00019%); highest among the groups gnomAD compares: Non-Finnish European, 0.00025%; no homozygotes.

Submissions (2):

Ambry Genetics
Classification: Uncertain significance for Inborn genetic diseases. Last evaluated: 2025-03-22. Review status: criteria provided, single submitter. Criteria: Ambry Variant Classification Scheme 2023. Collection method: clinical testing. Allele origin: germline.

Labcorp Genetics (formerly Invitae), Labcorp
Classification: Uncertain significance for Intellectual disability, autosomal recessive 53. Last evaluated: 2022-07-14. Review status: criteria provided, single submitter. Criteria: Invitae Variant Classification Sherloc (09022015). Collection method: clinical testing. Allele origin: germline.
Comment: In summary, the available evidence is currently insufficient to determine the role of this variant in disease. Therefore, it has been classified as a Variant of Uncertain Significance. Algorithms developed to predict the effect of missense changes on protein structure and function are either unavailable or do not agree on the potential impact of this missense change (SIFT: "Tolerated"; PolyPhen-2: "Probably Damaging"; Align-GVGD: "Class C0"). This variant has not been reported in the literature in individuals affected with PIGG-related conditions. This variant is not present in population databases (gnomAD no frequency). This sequence change replaces glycine, which is neutral and non-polar, with arginine, which is basic and polar, at codon 793 of the PIGG protein (p.Gly793Arg).